The following is an entry in ClinVar:

NM_005159.5(ACTC1):c.809-58TG[27]

Genes: ACTC1 (actin alpha cardiac muscle 1; minus strand), GJD2-DT (GJD2 divergent transcript; plus strand). Cytogenetic location: 15q14.
Variant type: Microsatellite.
Coding change: c.809-58TG[27] on transcript NM_005159.5 (MANE Select); 27 copies in a row of the 2-base unit TG starting at c.809-58; the reference has 23 copies in a row; four copies, 8 bases duplicated.
Molecular consequence: intron variant.
Genome position (GRCh38, 1-based): chr15:34,791,308-34,791,315, CACACACA duplicated on the plus strand (TGTGTGTG on the coding strand, the reverse complement: ACTC1 is on the minus strand); duplicating any 8 consecutive bases within chr15:34,791,308-34,791,353 gives the same sequence; the position shown is the placement nearest the transcript's 3' end. VCF-style (leftmost placement, unchanged base first): chr15-34791307-T-TCACACACA. GRCh37 (hg19) VCF-style: chr15-35083508-T-TCACACACA.
Other names: c.809-20_809-13dupTGTGTGTG (NM_005159.5, NM_005159.4).
Identifiers: ClinVar variation 929116 (VCV000929116.14), dbSNP rs59431308, ClinGen allele CA712279188.
Genomic context (GRCh38, chr15:34,791,307, plus strand): 5'-TTCATGATGCTATTGTAAGTTGTTTCATGGATGCCAGCAGATTCCATACCTGGGAACGAG[T>TCACACACA]CACACACACACACACACACACACACACACACACACACACACACACATCACAGTGCATTCA-3'

ClinVar aggregate classification (germline): Likely benign. Review status: criteria provided, multiple submitters, no conflicts (2 of 4 stars). 3 submissions from 3 submitters: Likely benign (3). Last evaluated 2026-02-03.

Conditions:
Dilated cardiomyopathy 1R (CMD1R). Identifiers: Orphanet 154, Orphanet 54260, MedGen C3150681, MONDO:0013261, OMIM 613424.
Atrial septal defect 5 (ASD5). Identifiers: Orphanet 1478, MedGen C2748552, MONDO:0013011, OMIM 612794.
Hypertrophic cardiomyopathy 11. Also called: ACTC1-Related Familial Hypertrophic Cardiomyopathy. Identifiers: MedGen C2677506, MONDO:0012799, OMIM 612098.

Submissions (3):

Labcorp Genetics (formerly Invitae), Labcorp
Classification: Likely benign for Dilated cardiomyopathy 1R; Hypertrophic cardiomyopathy 11; Atrial septal defect 5. Last evaluated: 2026-02-03. Review status: criteria provided, single submitter. Criteria: Invitae Variant Classification Sherloc (09022015). Collection method: clinical testing. Allele origin: germline.

Women's Health and Genetics/Laboratory Corporation of America, LabCorp
Classification: Likely benign. Last evaluated: 2025-10-29. Review status: criteria provided, single submitter. Criteria: LabCorp Variant Classification Summary - May 2015. Collection method: clinical testing. Allele origin: germline.
Comment: Variant summary: ACTC1 c.809-20_809-13dupTGTGTGTG alters a non-conserved nucleotide located at a position not widely known to affect splicing. Consensus agreement among computation tools predict no significant impact on normal splicing. However, these predictions have yet to be confirmed by functional studies. The frequency data for this variant in gnomAD is considered unreliable, as metrics indicate poor data quality at this position. To our knowledge, no occurrence of c.809-20_809-13dupTGTGTGTG in individuals affected with ACTC1-related conditions and no experimental evidence demonstrating its impact on protein function have been reported. Co-occurrences with other pathogenic variant(s) have been reported (TTN c.41592_41611del20, p.Val13865fsX10), providing supporting evidence for a benign role. ClinVar contains an entry for this variant (Variation ID: 929116). Based on the evidence outlined above, the variant was classified as likely benign.

Blueprint Genetics
Classification: Likely benign. Last evaluated: 2024-11-25. Review status: criteria provided, single submitter. Criteria: ACMG Guidelines, 2015. Collection method: clinical testing. Allele origin: germline.